The following is an entry in ClinVar:

ClinVar aggregate classification (germline): Likely benign (1 of 4 stars; one submission).

Submission:

Clinical Genomics Laboratory, Laboratory for Precision Diagnostics, University of Washington
Classification: Likely benign. Last evaluated: 2017-05-09. Review status: criteria provided, single submitter. Criteria: Clinical Cytogenomics Laboratory Policy on CNV Interpretation. Collection method: clinical testing. Allele origin: unknown. Affected: yes. Observed: 1 variant allele.

GRCh37/hg19 16p13.11-12.3(chr16:16633361-17879988)x3

Gene: XYLT1 (xylosyltransferase 1; minus strand). Cytogenetic location: 16p13.11-12.3.
Variant type: copy number gain.
Change: copy number 3 (three copies instead of two) of chr16:16,633,361-17,879,988 (1.25 Mb, GRCh37 coordinates, 1-based), cytogenetic band 16p13.11-12.3.
Identifiers: ClinVar variation 446343 (VCV000446343.4).